The following is an entry in ClinVar:

NM_213595.4(ISCU):c.306C>G (p.Ser102Arg)

Gene: ISCU (iron-sulfur cluster assembly enzyme; plus strand). Cytogenetic location: 12q23.3.
Variant type: single nucleotide variant.
Coding change: c.306C>G on transcript NM_213595.4 (MANE Select); coding-DNA position 306, C replaced by G.
Protein change: p.Ser102Arg; replaces serine 102 with arginine.
Molecular consequence: missense variant. On other transcripts: non-coding transcript variant (1).
Genome position (GRCh38, 1-based): chr12:108,565,398, C>G. VCF-style: chr12-108565398-C-G. GRCh37 (hg19) VCF-style: chr12-108959174-C-G.
Other names: c.306C>G, p.Ser102Arg (NM_001301140.1, NM_001301141.1, NM_001320042.1); c.231C>G, p.Ser77Arg (NM_014301.4); short protein forms S102R, S77R.
Identifiers: ClinVar variation 1521547 (VCV001521547.7), dbSNP rs2030844294, ClinGen allele CA386431684.
Genomic context (GRCh38, chr12:108,565,398, plus strand): 5'-GGGGAAGATTGTGGATGCTAGGTTTAAAACATTTGGCTGTGGTTCCGCAATTGCCTCCAG[C>G]TCATTAGCCACTGAATGGGTGAAAGGAAAGACGGTAAGGTGGCTCACAAATCTAATGGGT-3'
Protein context (NP_998760.1, residues 92-112): TFGCGSAIAS[Ser102Arg]SLATEWVKGK

ClinVar aggregate classification (germline): Uncertain significance (1 of 4 stars; one submission).

Allele frequency attached by ClinVar (database versions not stated): gnomAD 0.00001; gnomAD exomes 0.00001.

Submission:

Labcorp Genetics (formerly Invitae), Labcorp
Classification: Uncertain significance. Last evaluated: 2023-02-02. Review status: criteria provided, single submitter. Criteria: Invitae Variant Classification Sherloc (09022015). Collection method: clinical testing. Allele origin: germline.
Comment: In summary, the available evidence is currently insufficient to determine the role of this variant in disease. Therefore, it has been classified as a Variant of Uncertain Significance. Algorithms developed to predict the effect of missense changes on protein structure and function (SIFT, PolyPhen-2, Align-GVGD) all suggest that this variant is likely to be disruptive. ClinVar contains an entry for this variant (Variation ID: 1521547). This variant has not been reported in the literature in individuals affected with ISCU-related conditions. This variant is not present in population databases (gnomAD no frequency). This sequence change replaces serine, which is neutral and polar, with arginine, which is basic and polar, at codon 102 of the ISCU protein (p.Ser102Arg).